The following is an entry in ClinVar:

ClinVar aggregate classification (germline): Pathogenic/Likely pathogenic. Review status: criteria provided, multiple submitters, no conflicts (2 of 4 stars). 5 submissions from 5 submitters: Pathogenic (2); Likely pathogenic (3). Last evaluated 2023-10-03.

Conditions:
TRMU-related disorder. Also called: TRMU-related condition.
Aminoglycoside-induced deafness. Also called: DEAFNESS, STREPTOMYCIN-INDUCED; MT-RNR1-Related Hearing Loss and Deafness; STREPTOMYCIN OTOTOXICITY. Identifiers: Orphanet 168609, MedGen C1838854, MONDO:0010799, OMIM 580000.
Acute infantile liver failure due to synthesis defect of mtDNA-encoded proteins. Also called: TRMU Deficiency; LIVER FAILURE, INFANTILE, TRANSIENT; Liver failure acute infantile. Identifiers: Orphanet 217371, MedGen C3278664, MONDO:0013111, OMIM 613070.

Submissions (5):

Baylor Genetics
Classification: Likely pathogenic for Aminoglycoside-induced deafness. Last evaluated: 2023-10-03. Review status: criteria provided, single submitter. Criteria: ACMG Guidelines, 2015. Collection method: clinical testing. Allele origin: unknown.

Labcorp Genetics (formerly Invitae), Labcorp
Classification: Pathogenic. Last evaluated: 2023-07-29. Review status: criteria provided, single submitter. Criteria: Invitae Variant Classification Sherloc (09022015). Collection method: clinical testing. Allele origin: germline.
Comment: For these reasons, this variant has been classified as Pathogenic. Algorithms developed to predict the effect of sequence changes on RNA splicing suggest that this variant may disrupt the consensus splice site. ClinVar contains an entry for this variant (Variation ID: 597202). This variant has not been reported in the literature in individuals affected with TRMU-related conditions. This variant is present in population databases (rs756600903, gnomAD 0.003%). This sequence change creates a premature translational stop signal (p.His112Serfs*6) in the TRMU gene. It is expected to result in an absent or disrupted protein product. Loss-of-function variants in TRMU are known to be pathogenic (PMID: 19732863, 23625533).

Fulgent Genetics
Classification: Likely pathogenic for Aminoglycoside-induced deafness; Acute infantile liver failure due to synthesis defect of mtDNA-encoded proteins. Last evaluated: 2022-04-18. Review status: criteria provided, single submitter. Criteria: ACMG Guidelines, 2015. Collection method: clinical testing. Allele origin: unknown.

Blueprint Genetics
Classification: Likely pathogenic for TRMU-related disorders. Last evaluated: 2022-01-12. Review status: criteria provided, single submitter. Criteria: ACMG Guidelines, 2015. Collection method: clinical testing. Allele origin: germline. Affected: yes. Observed: 2 variant alleles.

Eurofins Ntd Llc (ga)
Classification: Pathogenic. Last evaluated: 2018-05-14. Review status: criteria provided, single submitter. Criteria: EGL ClinVar v180209 classification definitions. Collection method: clinical testing. Allele origin: germline.

Literature cited by the submitters: PubMed 19732863 (cited by Labcorp Genetics (formerly Invitae), Labcorp); PubMed 23625533 (cited by Labcorp Genetics (formerly Invitae), Labcorp).

NM_018006.5(TRMU):c.333dup (p.His112fs)

Gene: TRMU (tRNA mitochondrial 2-thiouridylase; plus strand). Cytogenetic location: 22q13.31.
Variant type: Duplication.
Coding change: c.333dup on transcript NM_018006.5 (MANE Select); coding-DNA position 333, one base duplicated (T; older notation c.333dupT).
Protein change: p.His112fs; shifts the reading frame from histidine 112.
Molecular consequence: frameshift variant. On other transcripts: non-coding transcript variant (1), intron variant (3).
Genome position (GRCh38, 1-based): chr22:46,343,346, T duplicated; the last of 6 consecutive T bases (chr22:46,343,341-46,343,346); duplicating any one gives the same sequence. VCF-style (leftmost placement, unchanged base first): chr22-46343340-C-CT. GRCh37 (hg19) VCF-style: chr22-46739237-C-CT.
Other names: c.333dup, p.His112fs (NM_001282785.2); c.14-3076dup (NM_001282782.2); c.-6-3076dup (NM_001282783.2, NM_001282784.2); short protein forms H112fs.
Identifiers: ClinVar variation 597202 (VCV000597202.15), dbSNP rs756600903, ClinGen allele CA10292010.
Genomic context (GRCh38, chr22:46,343,340, plus strand): 5'-TGAAAAAGGAAGGACTCCCAATCCTGACATAGTTTGCAACAAGCACATCAAATTTAGTTG[C>CT]TTTTTTCATTATGCTGTGGATAATCTTGGTAAGTAATTTGGGTTTAAAACATTTTTTTTT-3'